The following is an entry in ClinVar:

NM_005633.4(SOS1):c.3175G>A (p.Glu1059Lys)

Gene: SOS1 (SOS Ras/Rac guanine nucleotide exchange factor 1; minus strand). Cytogenetic location: 2p22.1.
Variant type: single nucleotide variant.
Coding change: c.3175G>A on transcript NM_005633.4 (MANE Select); coding-DNA position 3175, G replaced by A.
Protein change: p.Glu1059Lys; replaces glutamic acid 1059 with lysine.
Molecular consequence: missense variant.
Genome position (GRCh38, 1-based): chr2:38,995,294, C>T on the plus strand (G>A on the coding strand, the complement: SOS1 is on the minus strand). VCF-style: chr2-38995294-C-T. GRCh37 (hg19) VCF-style: chr2-39222435-C-T.
Other names: c.3154G>A, p.Glu1052Lys (NM_001382394.1); c.3175G>A, p.Glu1059Lys (NM_001382395.1); short protein forms E1052K, E1059K.
Identifiers: ClinVar variation 1966719 (VCV001966719.5), dbSNP rs1042497347, ClinGen allele CA346361029.

ClinVar aggregate classification (germline): Uncertain significance (1 of 4 stars; one submission).

Conditions:
RASopathy. Also called: Noonan spectrum disorder; rasopathies. Identifiers: Orphanet 536391, MedGen C5555857, MONDO:0021060.

Allele frequency attached by ClinVar (database versions not stated): TOPMed 0.00001.

Submission:

Labcorp Genetics (formerly Invitae), Labcorp
Classification: Uncertain significance for RASopathy. Last evaluated: 2022-08-27. Review status: criteria provided, single submitter. Criteria: Invitae Variant Classification Sherloc (09022015). Collection method: clinical testing. Allele origin: germline.
Comment: This variant is not present in population databases (gnomAD no frequency). This sequence change replaces glutamic acid, which is acidic and polar, with lysine, which is basic and polar, at codon 1059 of the SOS1 protein (p.Glu1059Lys). This variant has not been reported in the literature in individuals affected with SOS1-related conditions. Advanced modeling of protein sequence and biophysical properties (such as structural, functional, and spatial information, amino acid conservation, physicochemical variation, residue mobility, and thermodynamic stability) performed at Invitae indicates that this missense variant is expected to disrupt SOS1 protein function. In summary, the available evidence is currently insufficient to determine the role of this variant in disease. Therefore, it has been classified as a Variant of Uncertain Significance.